The following is an entry in ClinVar:

ClinVar aggregate classification (germline): Uncertain significance. Review status: criteria provided, multiple submitters, no conflicts (2 of 4 stars). 2 submissions from 2 submitters: Uncertain significance (2). Last evaluated 2026-06-29.

Submissions (2):

Women's Health and Genetics/Laboratory Corporation of America, LabCorp
Classification: Uncertain significance. Last evaluated: 2026-06-29. Review status: criteria provided, single submitter. Criteria: LabCorp Variant Classification Summary - May 2015. Collection method: clinical testing. Allele origin: germline.
Comment: Variant summary: COL5A1 c.814A>C (p.Thr272Pro) results in a non-conservative amino acid change in the encoded protein sequence. Algorithms developed to predict the effect of missense changes on protein structure and function are either unavailable or do not agree on the potential impact of this missense change. The variant was absent in 251416 control chromosomes. The available data on variant occurrences in the general population are insufficient to allow any conclusion about variant significance. To our knowledge, no occurrence of c.814A>C in individuals affected with COL5A1-related conditions and no experimental evidence demonstrating its impact on protein function have been reported. ClinVar contains an entry for this variant (Variation ID: 4074328). Based on the evidence outlined above, the variant was classified as uncertain significance.

GeneDx
Classification: Uncertain significance. Last evaluated: 2025-02-11. Review status: criteria provided, single submitter. Criteria: GeneDx Variant Classification Process June 2021. Collection method: clinical testing. Allele origin: germline. Affected: yes.
Comment: Not observed at significant frequency in large population cohorts (gnomAD); In silico analysis indicates that this missense variant does not alter protein structure/function; Has not been previously published as pathogenic or benign to our knowledge

NM_000093.5(COL5A1):c.814A>C (p.Thr272Pro)

Gene: COL5A1 (collagen type V alpha 1 chain; plus strand). Cytogenetic location: 9q34.3.
Variant type: single nucleotide variant.
Coding change: c.814A>C on transcript NM_000093.5 (MANE Select); coding-DNA position 814, A replaced by C.
Protein change: p.Thr272Pro; replaces threonine 272 with proline.
Molecular consequence: missense variant.
Genome position (GRCh38, 1-based): chr9:134,728,697, A>C. VCF-style: chr9-134728697-A-C. GRCh37 (hg19) VCF-style: chr9-137620543-A-C.
Other names: c.814A>C, p.Thr272Pro (NM_001278074.1); short protein forms T272P.
Identifiers: ClinVar variation 4074328 (VCV004074328.2).